The following is an entry in ClinVar:

NM_005051.3(QARS1):c.889A>G (p.Ile297Val)

Gene: QARS1 (glutaminyl-tRNA synthetase 1; minus strand). Cytogenetic location: 3p21.31.
Variant type: single nucleotide variant.
Coding change: c.889A>G on transcript NM_005051.3 (MANE Select); coding-DNA position 889, A replaced by G.
Protein change: p.Ile297Val; replaces isoleucine 297 with valine.
Molecular consequence: missense variant. On other transcripts: non-coding transcript variant (1).
Genome position (GRCh38, 1-based): chr3:49,100,662, T>C on the plus strand (A>G on the coding strand, the complement: QARS1 is on the minus strand). VCF-style: chr3-49100662-T-C. GRCh37 (hg19) VCF-style: chr3-49138095-T-C.
Other names: c.856A>G, p.Ile286Val (NM_001272073.2); short protein forms I297V, I286V.
Identifiers: ClinVar variation 1367786 (VCV001367786.6), dbSNP rs962335441, ClinGen allele CA74475187.
Genomic context (GRCh38, chr3:49,100,662, plus strand): 5'-CCGTGAAGAACTTTGCTTCCTCCTTCTCAGGGTTGGTGTCATCAAAACGCAGAAAACAGA[T>C]GCCATTGTTGGCCTAGGAAAGTTGCACCATCTGTGAACTCCCACATCATCCATCAGCCCC-3'
Protein context (NP_005042.1, residues 287-307): NFGYAKANNG[Ile297Val]CFLRFDDTNP

ClinVar aggregate classification (germline): Uncertain significance (1 of 4 stars; one submission).

Conditions:
Diffuse cerebral and cerebellar atrophy - intractable seizures - progressive microcephaly syndrome. Also called: Microcephaly, progressive, with seizures and cerebral and cerebellar atrophy. Identifiers: Orphanet 404437, MedGen C4014239, MONDO:0014335, OMIM 615760.

Allele frequency attached by ClinVar (database versions not stated): gnomAD exomes below 0.00001; TOPMed below 0.00001.

Submission:

Labcorp Genetics (formerly Invitae), Labcorp
Classification: Uncertain significance for Diffuse cerebral and cerebellar atrophy - intractable seizures - progressive microcephaly syndrome. Last evaluated: 2021-11-27. Review status: criteria provided, single submitter. Criteria: Invitae Variant Classification Sherloc (09022015). Collection method: clinical testing. Allele origin: germline.
Comment: Algorithms developed to predict the effect of missense changes on protein structure and function output the following: SIFT: "Tolerated"; PolyPhen-2: "Not Available"; Align-GVGD: "Class C0". The valine amino acid residue is found in multiple mammalian species, which suggests that this missense change does not adversely affect protein function. In summary, the available evidence is currently insufficient to determine the role of this variant in disease. Therefore, it has been classified as a Variant of Uncertain Significance. This variant has not been reported in the literature in individuals affected with QARS-related conditions. This variant is not present in population databases (gnomAD no frequency). This sequence change replaces isoleucine, which is neutral and non-polar, with valine, which is neutral and non-polar, at codon 297 of the QARS protein (p.Ile297Val).